The following is an entry in ClinVar:

NM_015338.6(ASXL1):c.3447G>T (p.Met1149Ile)

Gene: ASXL1 (ASXL transcriptional regulator 1; plus strand). Cytogenetic location: 20q11.21.
Variant type: single nucleotide variant.
Coding change: c.3447G>T on transcript NM_015338.6 (MANE Select); coding-DNA position 3447, G replaced by T.
Protein change: p.Met1149Ile; replaces methionine 1149 with isoleucine.
Molecular consequence: missense variant.
Genome position (GRCh38, 1-based): chr20:32,436,159, G>T. VCF-style: chr20-32436159-G-T. GRCh37 (hg19) VCF-style: chr20-31023962-G-T.
Other names: c.3264G>T, p.Met1088Ile (NM_001363734.1); short protein forms M1149I, M1088I.
Identifiers: ClinVar variation 3956247 (VCV003956247.1).
Genomic context (GRCh38, chr20:32,436,159, plus strand): 5'-CATGTCAGAATCCCCACAAGTACCACTTACAAAAGACCAGAGCCATGGCTCGCTACGCAT[G>T]GGATCTTTACATGGTCTTGGAAAAAACAGTGGCATGGTTGATGGAAGCAGCCCCAGTTCT-3'
Protein context (NP_056153.2, residues 1139-1159): TKDQSHGSLR[Met1149Ile]GSLHGLGKNS

ClinVar aggregate classification (germline): Uncertain significance (1 of 4 stars; one submission).

Conditions:
Inborn genetic diseases. Identifiers: MedGen C0950123, MeSH D030342.

Submission:

Ambry Genetics
Classification: Uncertain significance for Inborn genetic diseases. Last evaluated: 2025-04-18. Review status: criteria provided, single submitter. Criteria: Ambry Variant Classification Scheme 2023. Collection method: clinical testing. Allele origin: germline.
Comment: The p.M1149I variant (also known as c.3447G>T), located in coding exon 13 of the ASXL1 gene, results from a G to T substitution at nucleotide position 3447. The methionine at codon 1149 is replaced by isoleucine, an amino acid with highly similar properties. This amino acid position is conserved. In addition, this alteration is predicted to be tolerated by in silico analysis. Based on the available evidence, the clinical significance of this variant remains unclear.